The following is an entry in ClinVar:

ClinVar aggregate classification (germline): Uncertain significance. Review status: criteria provided, multiple submitters, no conflicts (2 of 4 stars). 6 submissions from 6 submitters: Uncertain significance (6). Last evaluated 2025-07-01.

Conditions:
RYR1-related disorder. Also called: RYR1-related disorders; RYR1-related condition. Identifiers: MedGen CN239331.
Malignant hyperthermia, susceptibility to, 1 (MHS1). Also called: Anesthesia related hyperthermia; Malignant hyperpyrexia; Fulminating hyperpyrexia; Pharmacogenic myopathy; Malignant hyperthermia suceptibility 1; RYR1-Related Malignant Hyperthermia Susceptibility. Identifiers: Orphanet 423, MedGen C2930980, MONDO:0007783, OMIM 145600.
King Denborough syndrome (KDS). Identifiers: MedGen C1840365, MONDO:0020485, OMIM 619542.
Central core myopathy (CMYO1A). Also called: CONGENITAL MYOPATHY 1A, AUTOSOMAL DOMINANT, WITH SUSCEPTIBILITY TO MALIGNANT HYPERTHERMIA; Central core disease; Myopathy, central fibrillar. Identifiers: Orphanet 597, MedGen C5830701, MONDO:0007294, OMIM 117000.
Congenital multicore myopathy with external ophthalmoplegia (CMYO1B). Also called: Congenital myopathy 1B, autosomal recessive; Minicore myopathy; MULTIMINICORE DISEASE WITH EXTERNAL OPHTHALMOPLEGIA; MULTICORE MYOPATHY; Minicore myopathy with external ophthalmoplegia. Identifiers: Orphanet 598, Orphanet 98905, MedGen C1850674, MONDO:0009712, OMIM 255320, HP:0003789.
Congenital myopathy with fiber type disproportion. Also called: Congenital fiber-type disproportion; Congenital fiber-type disproportion myopathy. Identifiers: Orphanet 2020, MedGen C0546264, MONDO:0009711. Inheritance: all.

Allele frequency attached by ClinVar (database versions not stated): ExAC 0.00002; gnomAD exomes 0.00002; TOPMed 0.00003; gnomAD 0.00004.
gnomAD v4.1: 42 of 1,606,144 alleles (0.0026%); highest among the groups gnomAD compares: Non-Finnish European, 0.0031%; no homozygotes.

Submissions (6):

Labcorp Genetics (formerly Invitae), Labcorp
Classification: Uncertain significance for RYR1-related disorder. Last evaluated: 2025-07-01. Review status: criteria provided, single submitter. Criteria: Invitae Variant Classification Sherloc (09022015). Collection method: clinical testing. Allele origin: germline.
Comment: This sequence change replaces proline, which is neutral and non-polar, with serine, which is neutral and polar, at codon 4489 of the RYR1 protein (p.Pro4489Ser). This variant is present in population databases (rs781766697, gnomAD 0.005%). This variant has not been reported in the literature in individuals affected with RYR1-related conditions. ClinVar contains an entry for this variant (Variation ID: 965229). Invitae Evidence Modeling of protein sequence and biophysical properties (such as structural, functional, and spatial information, amino acid conservation, physicochemical variation, residue mobility, and thermodynamic stability) indicates that this missense variant is not expected to disrupt RYR1 protein function with a negative predictive value of 95%. In summary, the available evidence is currently insufficient to determine the role of this variant in disease. Therefore, it has been classified as a Variant of Uncertain Significance.

All of Us Research Program, National Institutes of Health
Classification: Uncertain significance for Malignant hyperthermia, susceptibility to, 1. Last evaluated: 2024-09-23. Review status: criteria provided, single submitter. Criteria: ACMG Guidelines, 2015. Collection method: clinical testing. Allele origin: germline. Inheritance: Autosomal dominant inheritance. Observed: 13 variant alleles, 13 heterozygotes.
Comment: This missense variant replaces proline with serine at codon 4489 of the RYR1 protein. Computational prediction suggests that this variant may not impact protein structure and function (internally defined REVEL score threshold <= 0.5, PMID: 27666373). To our knowledge, functional studies have not been reported for this variant. This variant has not been reported in individuals affected with RYR1-related disorders in the literature. This variant has been identified in 8/266186 chromosomes in the general population by the Genome Aggregation Database (gnomAD). The available evidence is insufficient to determine the role of this variant in disease conclusively. Therefore, this variant is classified as a Variant of Uncertain Significance.

This study involves interpretation of variants in research participants for the purpose of population health screening. Participant phenotype was not available at the time of variant classification. Additional details can be found in publication PMID: 35346344, PMCID: PMC8962531

Color Diagnostics, LLC DBA Color Health
Classification: Uncertain significance for Malignant hyperthermia, susceptibility to, 1. Last evaluated: 2024-03-06. Review status: criteria provided, single submitter. Criteria: ACMG Guidelines, 2015. Collection method: clinical testing. Allele origin: germline.
Comment: This missense variant replaces proline with serine at codon 4489 of the RYR1 protein. Computational prediction suggests that this variant may not impact protein structure and function. To our knowledge, functional studies have not been reported for this variant. This variant has not been reported in individuals affected with RYR1-related disorders in the literature. This variant has been identified in 8/266186 chromosomes in the general population by the Genome Aggregation Database (gnomAD). The available evidence is insufficient to determine the role of this variant in disease conclusively. Therefore, this variant is classified as a Variant of Uncertain Significance.

GeneDx
Classification: Uncertain significance. Last evaluated: 2022-02-17. Review status: criteria provided, single submitter. Criteria: GeneDx Variant Classification Process June 2021. Collection method: clinical testing. Allele origin: germline. Affected: yes.
Comment: Not observed at significant frequency in large population cohorts (gnomAD); In silico analysis supports that this missense variant does not alter protein structure/function; Has not been previously published as pathogenic or benign to our knowledge

Fulgent Genetics
Classification: Uncertain significance for Central core myopathy; Malignant hyperthermia, susceptibility to, 1; Congenital myopathy 4A, autosomal dominant; Congenital multicore myopathy with external ophthalmoplegia; King Denborough syndrome. Last evaluated: 2021-11-08. Review status: criteria provided, single submitter. Criteria: ACMG Guidelines, 2015. Collection method: clinical testing. Allele origin: unknown.

Revvity Omics, Revvity
Classification: Uncertain significance. Last evaluated: 2020-10-14. Review status: criteria provided, single submitter. Criteria: ACMG Guidelines, 2015. Collection method: clinical testing. Allele origin: germline.

NM_000540.3(RYR1):c.13465C>T (p.Pro4489Ser)

Gene: RYR1 (ryanodine receptor 1; plus strand). Cytogenetic location: 19q13.2.
Variant type: single nucleotide variant.
Coding change: c.13465C>T on transcript NM_000540.3 (MANE Select); coding-DNA position 13465, C replaced by T.
Protein change: p.Pro4489Ser; replaces proline 4489 with serine.
Molecular consequence: missense variant.
Genome position (GRCh38, 1-based): chr19:38,566,938, C>T. VCF-style: chr19-38566938-C-T. GRCh37 (hg19) VCF-style: chr19-39057578-C-T.
Other names: c.13450C>T, p.Pro4484Ser (NM_001042723.2); short protein forms P4484S, P4489S.
Identifiers: ClinVar variation 965229 (VCV000965229.11), dbSNP rs781766697, ClinGen allele CA059862.